The following is an entry in ClinVar:

ClinVar aggregate classification (germline): Uncertain significance (0 of 4 stars; one submission).

Conditions:
Breast-ovarian cancer, familial, susceptibility to, 1 (BROVCA1). Also called: BRCA1 Hereditary Breast and Ovarian Cancer; OVARIAN CANCER, SUSCEPTIBILITY TO. Identifiers: Orphanet 145, MedGen C2676676, MONDO:0011450, OMIM 604370. Disease mechanism: loss of function.

Submissions (2):

Sharing Clinical Reports Project (SCRP)
Classification: Uncertain significance for Breast-ovarian cancer, familial 1. Last evaluated: 2006-11-16. Review status: no assertion criteria provided. Collection method: clinical testing. Allele origin: germline.

Brotman Baty Institute, University of Washington
No classification provided (evidence only). Condition: Breast-ovarian cancer, familial 1. Review status: no classification provided. Collection method: in vitro. Allele origin: not applicable. Functional consequence: functionally_normal. Not counted in ClinVar's aggregate classification.
ClinVar note: "not provided" was previously submitted as the classification for the variant. However, the classification appeared to be based only on an observation of functional data so it was converted to no classification on 2025-07-30.

NM_007294.4(BRCA1):c.199G>A (p.Asp67Asn)

Gene: BRCA1 (BRCA1 DNA repair associated; minus strand). Cytogenetic location: 17q21.31.
Variant type: single nucleotide variant.
Coding change: c.199G>A on transcript NM_007294.4 (MANE Select); coding-DNA position 199, G replaced by A.
Protein change: p.Asp67Asn; replaces aspartic acid 67 with asparagine.
Molecular consequence: missense variant.
Genome position (GRCh38, 1-based): chr17:43,106,469, C>T on the plus strand (G>A on the coding strand, the complement: BRCA1 is on the minus strand). VCF-style: chr17-43106469-C-T. GRCh37 (hg19) VCF-style: chr17-41258486-C-T.
Other names: c.58G>A, p.Asp20Asn (NM_001407752.1, NM_001407838.1, NM_001407839.1 and 99 more transcripts); c.199G>A, p.Asp67Asn (NM_001407854.1, NM_001407858.1, NM_001407859.1 and 168 more transcripts); short protein forms D67N, D20N.
Identifiers: ClinVar variation 91572 (VCV000091572.5), dbSNP rs80357102, ClinGen allele CA001327.